The following is an entry in ClinVar:

ClinVar aggregate classification (germline): Uncertain significance (1 of 4 stars; one submission).

Conditions:
Inborn genetic diseases. Identifiers: MedGen C0950123, MeSH D030342.

Submission:

Ambry Genetics
Classification: Uncertain significance for Inborn genetic diseases. Last evaluated: 2026-07-05. Review status: criteria provided, single submitter. Criteria: Ambry Variant Classification Scheme 2023. Collection method: clinical testing. Allele origin: germline.
Comment: The p.I11M variant (also known as c.33T>G), located in coding exon 1 of the SAMD9L gene, results from a T to G substitution at nucleotide position 33. The isoleucine at codon 11 is replaced by methionine, an amino acid with highly similar properties. This amino acid position is conserved. In addition, this alteration is predicted to be tolerated by in silico analysis. Based on the available evidence, the clinical significance of this variant remains unclear.

NM_152703.5(SAMD9L):c.33T>G (p.Ile11Met)

Gene: SAMD9L (sterile alpha motif domain containing 9 like; minus strand). Cytogenetic location: 7q21.2.
Variant type: single nucleotide variant.
Coding change: c.33T>G on transcript NM_152703.5 (MANE Select); coding-DNA position 33, T replaced by G.
Protein change: p.Ile11Met; replaces isoleucine 11 with methionine.
Molecular consequence: missense variant.
Genome position (GRCh38, 1-based): chr7:93,135,939, A>C on the plus strand (T>G on the coding strand, the complement: SAMD9L is on the minus strand). VCF-style: chr7-93135939-A-C. GRCh37 (hg19) VCF-style: chr7-92765252-A-C.
Other names: c.33T>G, p.Ile11Met (NM_001350085.2, NM_001350083.2, NM_001350084.2 and 5 more transcripts); short protein forms I11M.
Identifiers: ClinVar variation 5028874 (VCV005028874.1).